The following is an entry in ClinVar:

NM_001368397.1(FRMPD4):c.385A>G (p.Ser129Gly)

Gene: FRMPD4 (FERM and PDZ domain containing 4; plus strand). Cytogenetic location: Xp22.2.
Variant type: single nucleotide variant.
Coding change: c.385A>G on transcript NM_001368397.1 (MANE Select); coding-DNA position 385, A replaced by G.
Protein change: p.Ser129Gly; replaces serine 129 with glycine.
Molecular consequence: missense variant.
Genome position (GRCh38, 1-based): chrX:12,614,844, A>G. VCF-style: chrX-12614844-A-G. GRCh37 (hg19) VCF-style: chrX-12632963-A-G.
Other names: c.496A>G, p.Ser166Gly (NM_001368395.3, NM_001368398.3); c.385A>G, p.Ser129Gly (NM_001368396.3, NM_014728.3); c.376A>G, p.Ser126Gly (NM_001368399.3); c.265A>G, p.Ser89Gly (NM_001368400.3); c.361A>G, p.Ser121Gly (NM_001368401.1, NM_001368402.3); short protein forms S121G, S126G, S129G, S166G, S89G.
Identifiers: ClinVar variation 4687839 (VCV004687839.1).

ClinVar aggregate classification (germline): Uncertain significance (1 of 4 stars; one submission).

Submission:

Women's Health and Genetics/Laboratory Corporation of America, LabCorp
Classification: Uncertain significance. Last evaluated: 2025-10-22. Review status: criteria provided, single submitter. Criteria: LabCorp Variant Classification Summary - May 2015. Collection method: clinical testing. Allele origin: germline.
Comment: Variant summary: FRMPD4 c.385A>G (p.Ser129Gly) results in a non-conservative amino acid change in the encoded protein sequence. Algorithms developed to predict the effect of missense changes on protein structure and function are either unavailable or do not agree on the potential impact of this missense change. The variant was absent in 181622 control chromosomes. The available data on variant occurrences in the general population are insufficient to allow any conclusion about variant significance. To our knowledge, no occurrence of c.385A>G in individuals affected with FRMPD4-related conditions and no experimental evidence demonstrating its impact on protein function have been reported. No submitters have cited clinical-significance assessments for this variant to ClinVar. Based on the evidence outlined above, the variant was classified as uncertain significance.